The following is an entry in ClinVar:

ClinVar aggregate classification (germline): Conflicting classifications of pathogenicity. Review status: criteria provided, conflicting classifications (1 of 4 stars). 7 submissions from 7 submitters: Uncertain significance (1); Benign (2); Likely benign (3). 1 of the submissions does not count toward it. Last evaluated 2026-02-02.

Conditions:
Autosomal dominant epilepsy with auditory features. Identifiers: Orphanet 101046, MedGen C1838062, MONDO:0010898.
LGI1-related disorder. Also called: LGI1-related condition.
Epilepsy, familial temporal lobe, 1. Identifiers: Orphanet 101046, MedGen CN030884, MONDO:0700090, OMIM 600512.

Allele frequency attached by ClinVar (database versions not stated): ESP Exome Variant Server 0.00015; TOPMed 0.00018; 1000 Genomes Project 30x 0.00031; 1000 Genomes Project 0.00040; gnomAD 0.00078 and 0.00080; gnomAD exomes 0.00105; ExAC 0.00109.

Submissions (7):

Labcorp Genetics (formerly Invitae), Labcorp
Classification: Benign for Autosomal dominant epilepsy with auditory features. Last evaluated: 2026-02-02. Review status: criteria provided, single submitter. Criteria: Invitae Variant Classification Sherloc (09022015). Collection method: clinical testing. Allele origin: germline.

Blueprint Genetics
Classification: Likely benign. Last evaluated: 2024-11-23. Review status: criteria provided, single submitter. Criteria: ACMG Guidelines, 2015. Collection method: clinical testing. Allele origin: germline.

CeGaT Center for Human Genetics Tuebingen
Classification: Likely benign. Last evaluated: 2022-12-01. Review status: criteria provided, single submitter. Criteria: CeGaT Center For Human Genetics Tuebingen Variant Classification Criteria Version 2. Collection method: clinical testing. Allele origin: germline. Affected: yes. Observed: 1 variant allele.
Comment: LGI1: BS1

GeneDx
Classification: Likely benign. Last evaluated: 2020-10-16. Review status: criteria provided, single submitter. Criteria: GeneDx Variant Classification Process June 2021. Collection method: clinical testing. Allele origin: germline. Affected: yes.
Comment: This variant is associated with the following publications: (PMID: 26993267)

Athena Diagnostics
Classification: Benign. Last evaluated: 2019-11-08. Review status: criteria provided, single submitter. Criteria: Athena Diagnostics Criteria. Collection method: clinical testing. Allele origin: unknown.

Illumina Laboratory Services, Illumina
Classification: Uncertain significance for Epilepsy, familial temporal lobe, 1. Last evaluated: 2018-01-13. Review status: criteria provided, single submitter. Criteria: ICSL Variant Classification Criteria 13 December 2019. Collection method: clinical testing. Allele origin: germline.

PreventionGenetics, part of Exact Sciences
Classification: Likely benign for LGI1-related condition. Last evaluated: 2020-08-26. Review status: no assertion criteria provided. Collection method: clinical testing. Allele origin: germline. Not counted in ClinVar's aggregate classification.
Comment: This variant is classified as likely benign based on ACMG/AMP sequence variant interpretation guidelines (Richards et al. 2015 PMID: 25741868, with internal and published modifications).

Literature cited by the submitters: PubMed 26993267 (cited by Athena Diagnostics).

NM_005097.4(LGI1):c.1A>G (p.Met1Val)

Gene: LGI1 (leucine rich glioma inactivated 1; plus strand). Cytogenetic location: 10q23.33.
Variant type: single nucleotide variant.
Coding change: c.1A>G on transcript NM_005097.4 (MANE Select); coding-DNA position 1, A replaced by G.
Protein change: p.Met1Val; changes the start codon (methionine 1).
Molecular consequence: missense variant, initiator codon variant. On other transcripts: non-coding transcript variant (1).
Genome position (GRCh38, 1-based): chr10:93,758,145, A>G. VCF-style: chr10-93758145-A-G. GRCh37 (hg19) VCF-style: chr10-95517902-A-G.
Other names: c.1A>G, p.Met1Val (NM_001308275.2, NM_001308276.2); c.1A>G (NM_005097.3); short protein forms M1V.
Identifiers: ClinVar variation 415035 (VCV000415035.46), dbSNP rs202204627, ClinGen allele CA5610988.
Genomic context (GRCh38, chr10:93,758,145, plus strand): 5'-GACAATCACCATCTGAATTCCAGAAGCCCTGTTCATGGTTGGGGATATTTTCTCGACTGC[A>G]TGGAATCAGAAAGAAGCAAAAGGATGGGAAATGCCTGCATTCCCCTGAAAAGAATTGCTT-3'
Protein context (NP_005088.1, residues 1-11): [Met1Val]ESERSKRMGN